The following is an entry in ClinVar:

NM_000059.4(BRCA2):c.9538C>T (p.Leu3180Phe)

Gene: BRCA2 (BRCA2 DNA repair associated; plus strand). Cytogenetic location: 13q13.1.
Variant type: single nucleotide variant.
Coding change: c.9538C>T on transcript NM_000059.4 (MANE Select); coding-DNA position 9538, C replaced by T.
Protein change: p.Leu3180Phe; replaces leucine 3180 with phenylalanine.
Molecular consequence: missense variant.
Genome position (GRCh38, 1-based): chr13:32,396,934, C>T. VCF-style: chr13-32396934-C-T. GRCh37 (hg19) VCF-style: chr13-32971071-C-T.
Other names: NM_000059.4(BRCA2):c.9538C>T; p.Leu3180Phe; 9766C>T; short protein forms L3180F.
Identifiers: ClinVar variation 52865 (VCV000052865.33), dbSNP rs200598289, ClinGen allele CA026202.

ClinVar aggregate classification (germline): Benign. Review status: reviewed by expert panel (3 of 4 stars). 13 submissions from 13 submitters: Benign (1). 12 of the submissions do not count toward it. Last evaluated 2025-08-18.

Conditions:
BRCA2-related cancer predisposition. Identifiers: MedGen CN377758, MONDO:0700269.
Hereditary cancer-predisposing syndrome. Also called: Hereditary Cancer Syndrome; Neoplastic Syndromes, Hereditary; Hereditary neoplastic syndrome; Tumor predisposition. Identifiers: Orphanet 140162, MedGen C0027672, MeSH D009386, MONDO:0015356.
Breast and/or ovarian cancer. Identifiers: MedGen CN221562.
Breast-ovarian cancer, familial, susceptibility to, 2 (BROVCA2). Also called: BRCA2 Hereditary Breast and Ovarian Cancer. Identifiers: Orphanet 145, MedGen C2675520, MONDO:0012933, OMIM 612555. Disease mechanism: loss of function.
Fanconi anemia complementation group D1. Also called: BRCA2-Related Fanconi Anemia. Identifiers: Orphanet 319462, MedGen C1838457, MONDO:0011584, OMIM 605724.
Medulloblastoma (MDB). Also called: MEDULLOBLASTOMA PREDISPOSITION SYNDROME; Medulloblastoma, somatic. Identifiers: Orphanet 616, MedGen C0025149, MeSH D008527, MONDO:0007959, OMIM 155255, HP:0002885.
Pancreatic cancer, susceptibility to, 2. Identifiers: Orphanet 1333, MedGen C3150546, MONDO:0013235, OMIM 613347.
Glioma susceptibility 3 (GLM3). Also called: Glioblastoma 3. Identifiers: Orphanet 182067, Orphanet 360, MedGen C2751641, MONDO:0013093, OMIM 613029.
Wilms tumor 1 (WT1). Also called: Wilms tumor, somatic. Identifiers: Orphanet 654, MedGen CN033288, MONDO:0008679, OMIM 194070.
Familial cancer of breast. Also called: hereditary breast carcinoma; BREAST CANCER, FAMILIAL; Hereditary breast cancer. Identifiers: Orphanet 227535, MedGen C0346153, MONDO:0016419, OMIM 114480. Disease mechanism: loss of function.
Prostate cancer. Also called: Malignant tumor of prostate. Identifiers: Orphanet 1331, MedGen C0376358, MONDO:0008315, HP:0012125.
Ovarian cancer. Also called: OVARIAN CANCER, SOMATIC. Identifiers: Orphanet 213500, MedGen C1140680, MONDO:0008170, OMIM 167000.
Hereditary breast ovarian cancer syndrome. Also called: Hereditary breast and ovarian cancer syndrome; Breast and ovarian cancer; Hereditary breast and ovarian cancer syndrome (HBOC); BRCA1- and BRCA2-Associated Hereditary Breast and Ovarian Cancer; Hereditary breast and/or ovarian cancer syndrome; Hereditary breast and ovarian cancer. Identifiers: Orphanet 145, MedGen C0677776, MeSH D061325, MONDO:0003582. Disease mechanism: loss of function.

Allele frequency attached by ClinVar (database versions not stated): gnomAD exomes 0.00004 and 0.00001; TOPMed 0.00001; ExAC 0.00002; gnomAD 0.00002 and 0.00001; 1000 Genomes Project 30x 0.00016; 1000 Genomes Project 0.00020.
gnomAD v4.1: 12 of 1,614,074 alleles (0.00074%); highest among the groups gnomAD compares: East Asian, 0.025%; no homozygotes.

Submissions (13):

ClinGen ENIGMA BRCA1 and BRCA2 Variant Curation Expert Panel, ClinGen
Classification: Benign for BRCA2-related cancer predisposition. Last evaluated: 2025-08-18. Review status: reviewed by expert panel. Criteria: CSpec BRCA1/2ACMG Rules Specifications V1.2. Collection method: curation. Allele origin: germline. Inheritance: Autosomal dominant inheritance.
Comment: The c.9538C>T variant in BRCA2 is a missense variant predicted to cause substitution of Leucine by Phenylalanine at amino acid 3180 (p.(Leu3180Phe)). The highest non-cancer, non-founder population filter allele frequency in gnomAD v2.1 (exomes only, non-cancer subset, read depth ≥20) or gnomAD v3.1 (non-cancer subset, read depth ≥20) is 0.0002240 in the East Asian population, which is above the ENIGMA BRCA1/2 VCEP threshold (>0.0001) for BS1, and below the BA1 threshold (>0.001) (BS1 met). Reported by three calibrated studies to exhibit protein function similar to benign control variants (PMIDs:33314489, 39779857, 39779848) (BS3 met). This BRCA2 missense variant is within a key functional domain and the computational predictor BayesDel (noAF) gives a score of 0.13, which is below the recommended threshold of 0.18 for predicting no impact on BRCA2 via protein change. A SpliceAI score of 0 predicts no impact on splicing (score threshold <0.10) (BP4 met). Multifactorial likelihood ratio analysis using clinically calibrated data produced a combined LR for this variant of 0.875 (based on Family History LR=0.875), which is above the ENIGMA BRCA1/2 VCEP threshold for BP5 (>0.48) and below PP4 (<2.08) (BP5 and PP4 not met; PMID: 31853058). In summary, this variant meets the criteria to be classified as a Benign variant for BRCA2-related cancer predisposition based on the ACMG/AMP criteria applied as specified by the ENIGMA BRCA1/2 VCEP (BS1, BS3, BP4).

Labcorp Genetics (formerly Invitae), Labcorp
Classification: Likely benign for Hereditary breast ovarian cancer syndrome. Last evaluated: 2026-01-04. Review status: criteria provided, single submitter. Criteria: Invitae Variant Classification Sherloc (09022015). Collection method: clinical testing. Allele origin: germline. Not counted in ClinVar's aggregate classification.

Color Diagnostics, LLC DBA Color Health
Classification: Likely benign for Hereditary cancer-predisposing syndrome. Last evaluated: 2025-08-09. Review status: criteria provided, single submitter. Criteria: ACMG Guidelines, 2015. Collection method: clinical testing. Allele origin: germline. Not counted in ClinVar's aggregate classification.

Ambry Genetics
Classification: Likely benign for Hereditary cancer-predisposing syndrome. Last evaluated: 2024-04-11. Review status: criteria provided, single submitter. Criteria: Ambry Variant Classification Scheme 2023. Collection method: clinical testing. Allele origin: germline. Not counted in ClinVar's aggregate classification.

All of Us Research Program, National Institutes of Health
Classification: Uncertain significance for Breast-ovarian cancer, familial, susceptibility to, 2. Last evaluated: 2023-09-18. Review status: criteria provided, single submitter. Criteria: ACMG Guidelines, 2015. Collection method: clinical testing. Allele origin: germline. Inheritance: Autosomal dominant inheritance. Observed: 5 variant alleles, 5 heterozygotes. Not counted in ClinVar's aggregate classification.
Comment: This missense variant replaces leucine with phenylalanine at codon 3180 of the BRCA2 protein. Computational prediction suggests that this variant may not impact protein structure and function (internally defined REVEL score threshold <= 0.5, PMID: 27666373). A functional study showed this variant does not impact viability in Brca2 null mouse embryonic stem cells (PMID: 33314489). This variant has been observed in multiple individuals affected with breast cancer (PMID: 22921312, 26689913, 28222693, 32068069) and in a healthy individual (PMID: 27157322). In a large breast cancer case-control study, this variant was observed in 5/60466 cases and 0/53461 controls; p-value=0.065 (PMID: 3347199; Leiden Open Variation Database DB-ID BRCA2_005921). This variant has been identified in 10/251368 chromosomes in the general population by the Genome Aggregation Database (gnomAD). The available evidence is insufficient to determine the role of this variant in disease conclusively. Therefore, this variant is classified as a Variant of Uncertain Significance.

This study involves interpretation of variants in research participants for the purpose of population health screening. Participant phenotype was not available at the time of variant classification. Additional details can be found in publication PMID: 35346344, PMCID: PMC8962531

CHEO Genetics Diagnostic Laboratory, Children's Hospital of Eastern Ontario
Classification: Uncertain significance for Breast and/or ovarian cancer. Last evaluated: 2022-12-23. Review status: criteria provided, single submitter. Criteria: ACMG Guidelines, 2015. Collection method: clinical testing. Allele origin: germline. Not counted in ClinVar's aggregate classification.

Laboratory of Molecular Epidemiology of Birth Defects, West China Second University Hospital, Sichuan University
Classification: Likely pathogenic for Ovarian cancer. Last evaluated: 2022-01-01. Review status: criteria provided, single submitter. Criteria: ACMG Guidelines, 2015. Collection method: clinical testing. Allele origin: germline. Affected: yes. Not counted in ClinVar's aggregate classification.

Quest Diagnostics Nichols Institute San Juan Capistrano
Classification: Uncertain significance. Last evaluated: 2020-12-16. Review status: criteria provided, single submitter. Criteria: Quest Diagnostics criteria. Collection method: clinical testing. Allele origin: unknown. Not counted in ClinVar's aggregate classification.

Fulgent Genetics
Classification: Uncertain significance for Familial cancer of breast; Medulloblastoma; Familial prostate cancer; Wilms tumor 1; Fanconi anemia complementation group D1; Breast-ovarian cancer, familial, susceptibility to, 2; Glioma susceptibility 3; Pancreatic cancer, susceptibility to, 2. Last evaluated: 2018-10-31. Review status: criteria provided, single submitter. Criteria: ACMG Guidelines, 2015. Collection method: clinical testing. Allele origin: unknown. Not counted in ClinVar's aggregate classification.

GeneDx
Classification: Uncertain significance. Last evaluated: 2018-01-25. Review status: criteria provided, single submitter. Criteria: GeneDx Variant Classification (06012015). Collection method: clinical testing. Allele origin: germline. Affected: yes. Not counted in ClinVar's aggregate classification.
Comment: This variant is denoted BRCA2 c.9538C>T at the cDNA level, p.Leu3180Phe (L3180F) at the protein level, and results in the change of a Leucine to a Phenylalanine (CTT>TTT). Using alternate nomenclature, this variant would be defined as BRCA2 9766C>T. This variant was detected in 1/2089 breast cancer cases and 2/1448 controls in a study of multi-ethnic Asian individuals (Lai 2017). BRCA2 Leu3180Phe was not observed at a significant allele frequency in large population cohorts (Lek 2016). This variant is located in the DNA binding domain (Yang 2002). In-silico analysis, which includes protein predictors and evolutionary conservation, supports that this variant does not alter protein structure/function. Based on currently available evidence, it is unclear whether BRCA2 Leu3180Phe is a pathogenic or benign variant. We consider it to be a variant of uncertain significance.

Counsyl
Classification: Uncertain significance for Breast-ovarian cancer, familial, susceptibility to, 2. Last evaluated: 2017-11-01. Review status: no assertion criteria provided. Collection method: clinical testing. Allele origin: unknown. Not counted in ClinVar's aggregate classification.

Sharing Clinical Reports Project (SCRP)
Classification: Uncertain significance for Breast-ovarian cancer, familial 2. Last evaluated: 2012-06-12. Review status: no assertion criteria provided. Collection method: clinical testing. Allele origin: germline. Not counted in ClinVar's aggregate classification.

Breast Cancer Information Core (BIC) (BRCA2)
Classification: Uncertain significance for Breast-ovarian cancer, familial 2. Last evaluated: 2010-09-18. Review status: no assertion criteria provided. Collection method: clinical testing. Allele origin: germline. Affected: yes. Observed: 1 variant allele. Not counted in ClinVar's aggregate classification.

Literature cited by the submitters: PubMed 3347199 (cited by All of Us Research Program, National Institutes of Health); PubMed 22921312 (cited by 3 submitters); PubMed 26689913 (cited by 3 submitters); PubMed 27157322 (cited by All of Us Research Program, National Institutes of Health and Counsyl); PubMed 28222693 (cited by 3 submitters); PubMed 32068069 (cited by All of Us Research Program, National Institutes of Health); PubMed 33314489 (cited by All of Us Research Program, National Institutes of Health).